The following is an entry in ClinVar:

NM_000245.4(MET):c.1437T>G (p.Phe479Leu)

Gene: MET (MET proto-oncogene, receptor tyrosine kinase; plus strand). Cytogenetic location: 7q31.2.
Variant type: single nucleotide variant.
Coding change: c.1437T>G on transcript NM_000245.4 (MANE Select); coding-DNA position 1437, T replaced by G.
Protein change: p.Phe479Leu; replaces phenylalanine 479 with leucine.
Molecular consequence: missense variant.
Genome position (GRCh38, 1-based): chr7:116,739,994, T>G. VCF-style: chr7-116739994-T-G. GRCh37 (hg19) VCF-style: chr7-116380048-T-G.
Other names: c.1437T>G, p.Phe479Leu (NM_001127500.3, NM_001324401.3); c.147T>G, p.Phe49Leu (NM_001324402.2); short protein forms F479L, F49L.
Identifiers: ClinVar variation 485786 (VCV000485786.5), dbSNP rs1346572528, ClinGen allele CA368974094.

ClinVar aggregate classification (germline): Uncertain significance (1 of 4 stars; one submission).

Conditions:
Hereditary cancer-predisposing syndrome. Also called: Tumor predisposition; Hereditary Cancer Syndrome; Hereditary neoplastic syndrome; Neoplastic Syndromes, Hereditary. Identifiers: Orphanet 140162, MedGen C0027672, MeSH D009386, MONDO:0015356.

Allele frequency attached by ClinVar (database versions not stated): gnomAD 0.00001.
gnomAD v4.1: 1 of 1,614,068 alleles (0.000062%); highest among the groups gnomAD compares: Non-Finnish European, 0.000085%; no homozygotes.

Submission:

Ambry Genetics
Classification: Uncertain significance for Hereditary cancer-predisposing syndrome. Last evaluated: 2017-03-30. Review status: criteria provided, single submitter. Criteria: Ambry Variant Classification Scheme 2023. Collection method: clinical testing. Allele origin: germline.
Comment: The p.F479L variant (also known as c.1437T>G), located in coding exon 3 of the MET gene, results from a T to G substitution at nucleotide position 1437. The phenylalanine at codon 479 is replaced by leucine, an amino acid with highly similar properties. This amino acid position is highly conserved in available vertebrate species. In addition, this alteration is predicted to be tolerated by in silico analysis. Since supporting evidence is limited at this time, the clinical significance of this alteration remains unclear.